The following is an entry in ClinVar:

NM_002430.3(MN1):c.2093C>T (p.Pro698Leu)

Gene: MN1 (MN1 proto-oncogene, transcriptional regulator; minus strand). Cytogenetic location: 22q12.1.
Variant type: single nucleotide variant.
Coding change: c.2093C>T on transcript NM_002430.3 (MANE Select); coding-DNA position 2093, C replaced by T.
Protein change: p.Pro698Leu; replaces proline 698 with leucine.
Molecular consequence: missense variant.
Genome position (GRCh38, 1-based): chr22:27,798,451, G>A on the plus strand (C>T on the coding strand, the complement: MN1 is on the minus strand). VCF-style: chr22-27798451-G-A. GRCh37 (hg19) VCF-style: chr22-28194439-G-A.
Other names: short protein forms P698L.
Identifiers: ClinVar variation 3343482 (VCV003343482.1).

ClinVar aggregate classification (germline): Uncertain significance (1 of 4 stars; one submission).

Submission:

GeneDx
Classification: Uncertain significance. Last evaluated: 2023-05-17. Review status: criteria provided, single submitter. Criteria: GeneDx Variant Classification Process June 2021. Collection method: clinical testing. Allele origin: germline. Affected: yes.
Comment: Not observed at significant frequency in large population cohorts (gnomAD); In silico analysis supports that this missense variant has a deleterious effect on protein structure/function; Has not been previously published as pathogenic or benign to our knowledge